The following is an entry in ClinVar:

NM_001184880.2(PCDH19):c.1294A>G (p.Met432Val)

Gene: PCDH19 (protocadherin 19; minus strand). Cytogenetic location: Xq22.1.
Variant type: single nucleotide variant.
Coding change: c.1294A>G on transcript NM_001184880.2 (MANE Select); coding-DNA position 1294, A replaced by G.
Protein change: p.Met432Val; replaces methionine 432 with valine.
Molecular consequence: missense variant.
Genome position (GRCh38, 1-based): chrX:100,407,304, T>C on the plus strand (A>G on the coding strand, the complement: PCDH19 is on the minus strand). VCF-style: chrX-100407304-T-C. GRCh37 (hg19) VCF-style: chrX-99662302-T-C.
Other names: p.M432V:ATG>GTG; c.1294A>G, p.Met432Val (NM_001105243.2, NM_020766.3); short protein forms M432V.
Identifiers: ClinVar variation 206295 (VCV000206295.23), dbSNP rs200728466, ClinGen allele CA316242.
Genomic context (GRCh38, chrX:100,407,304, plus strand): 5'-GCGGGTGGTTGTCATTTTCGTCAGTGATGAGCACGGTAAAGGACTTGGCACTCTGCAGCA[T>C]GGGCACGCCGCCGTCGCGTGCCTGAATTGTGAGGTTGTATTGGTCGTGCTGCTCGCGGTC-3'
Protein context (NP_001171809.1, residues 422-442): TIQARDGGVP[Met432Val]LQSAKSFTVL

ClinVar aggregate classification (germline): Benign/Likely benign. Review status: criteria provided, multiple submitters, no conflicts (2 of 4 stars). 9 submissions from 9 submitters: Benign (3); Likely benign (2). 4 of the submissions do not count toward it. Last evaluated 2026-02-03.

Conditions:
PCDH19-related disorder. Also called: PCDH19-related condition.
Inborn genetic diseases. Identifiers: MedGen C0950123, MeSH D030342.
Developmental and epileptic encephalopathy, 9 (DEE9). Also called: JUBERG-HELLMAN SYNDROME; EPILEPSY, FEMALE-RESTRICTED, WITH MENTAL RETARDATION; Early infantile epileptic encephalopathy 9; PCDH19-Related X-Linked Female-Limited Epilepsy with Mental Retardation. Identifiers: Orphanet 101039, Orphanet 2076, MedGen C1848137, MONDO:0010246, OMIM 300088. Disease mechanism: loss of function.

Allele frequency attached by ClinVar (database versions not stated): ESP Exome Variant Server 0.00039; TOPMed 0.00047; gnomAD 0.00062 and 0.00071; ExAC 0.00073; gnomAD exomes 0.00076 and 0.00077.
gnomAD v4.1: 904 of 1,210,703 alleles (0.075%); highest among the groups gnomAD compares: Non-Finnish European, 0.08%; 1 homozygote.

Submissions (9):

Labcorp Genetics (formerly Invitae), Labcorp
Classification: Likely benign for Developmental and epileptic encephalopathy, 9. Last evaluated: 2026-02-03. Review status: criteria provided, single submitter. Criteria: Invitae Variant Classification Sherloc (09022015). Collection method: clinical testing. Allele origin: germline.

Blueprint Genetics
Classification: Likely benign. Last evaluated: 2024-10-15. Review status: criteria provided, single submitter. Criteria: ACMG Guidelines, 2015. Collection method: clinical testing. Allele origin: germline.

GeneDx
Classification: Benign. Last evaluated: 2019-06-14. Review status: criteria provided, single submitter. Criteria: GeneDx Variant Classification Process June 2021. Collection method: clinical testing. Allele origin: germline. Affected: yes.
Comment: This variant is associated with the following publications: (PMID: 23334464)

Ambry Genetics
Classification: Benign for Inborn genetic diseases. Last evaluated: 2019-05-22. Review status: criteria provided, single submitter. Criteria: Ambry Variant Classification Scheme 2023. Collection method: clinical testing. Allele origin: germline.

Eurofins Ntd Llc (ga)
Classification: Benign. Last evaluated: 2016-07-09. Review status: criteria provided, single submitter. Criteria: EGL Classification Definitions 2015. Collection method: clinical testing. Allele origin: germline. Observed: 1 variant allele, 1 hemizygote.

PreventionGenetics, part of Exact Sciences
Classification: Likely benign for PCDH19-related condition. Last evaluated: 2020-01-09. Review status: no assertion criteria provided. Collection method: clinical testing. Allele origin: germline. Not counted in ClinVar's aggregate classification.
Comment: This variant is classified as likely benign based on ACMG/AMP sequence variant interpretation guidelines (Richards et al. 2015 PMID: 25741868, with internal and published modifications).

Clinical Genetics DNA and cytogenetics Diagnostics Lab, Erasmus MC, Erasmus Medical Center
Classification: Likely benign. Review status: no assertion criteria provided. Collection method: clinical testing. Allele origin: germline. Affected: yes. Study: VKGL Data-share Consensus. Not counted in ClinVar's aggregate classification.

Diagnostic Laboratory, Department of Genetics, University Medical Center Groningen
Classification: Likely benign for Developmental and epileptic encephalopathy, 9. Review status: no assertion criteria provided. Collection method: clinical testing. Allele origin: germline. Affected: yes. Study: VKGL Data-share Consensus. Not counted in ClinVar's aggregate classification.

Genome Diagnostics Laboratory, University Medical Center Utrecht
Classification: Likely benign. Review status: no assertion criteria provided. Collection method: clinical testing. Allele origin: germline. Affected: yes. Study: VKGL Data-share Consensus. Not counted in ClinVar's aggregate classification.